The following is an entry in ClinVar:

NM_000414.4(HSD17B4):c.1490C>A (p.Thr497Asn)

Gene: HSD17B4 (hydroxysteroid 17-beta dehydrogenase 4; plus strand). Cytogenetic location: 5q23.1.
Variant type: single nucleotide variant.
Coding change: c.1490C>A on transcript NM_000414.4 (MANE Select); coding-DNA position 1490, C replaced by A.
Protein change: p.Thr497Asn; replaces threonine 497 with asparagine.
Molecular consequence: missense variant. On other transcripts: non-coding transcript variant (2).
Genome position (GRCh38, 1-based): chr5:119,515,033, C>A. VCF-style: chr5-119515033-C-A. GRCh37 (hg19) VCF-style: chr5-118850728-C-A.
Other names: c.1565C>A, p.Thr522Asn (NM_001199291.3); c.1436C>A, p.Thr479Asn (NM_001199292.2); c.1418C>A, p.Thr473Asn (NM_001292027.2, NM_001374498.1); c.1070C>A, p.Thr357Asn (NM_001292028.2); c.1481C>A, p.Thr494Asn (NM_001374497.1); c.1163C>A, p.Thr388Asn (NM_001374499.1); c.1049C>A, p.Thr350Asn (NM_001374500.1); c.1079C>A, p.Thr360Asn (NM_001374501.1, NM_001374502.1, NM_001374503.1); short protein forms T357N, T473N, T350N, T479N, T497N, T360N, T388N, T522N.
Identifiers: ClinVar variation 2169976 (VCV002169976.4), dbSNP rs2531841102, ClinGen allele CA360868988.

ClinVar aggregate classification (germline): Uncertain significance (1 of 4 stars; one submission).

Conditions:
Bifunctional peroxisomal enzyme deficiency (DBIF). Also called: DBP DEFICIENCY; PBFE DEFICIENCY; D-bifunctional protein deficiency. Identifiers: Orphanet 300, MedGen C0342870, MONDO:0009855, OMIM 261515. Disease mechanism: loss of function.
Perrault syndrome. Also called: Gonadal dysgenesis with auditory dysfunction, autosomal recessive inheritance. Identifiers: Orphanet 2855, MedGen C0685838, MONDO:0017312.

gnomAD v4.1: 6 of 1,579,128 alleles (0.00038%); highest among the groups gnomAD compares: Non-Finnish European, 0.00044%; no homozygotes.

Submission:

Labcorp Genetics (formerly Invitae), Labcorp
Classification: Uncertain significance for Perrault syndrome; Bifunctional peroxisomal enzyme deficiency. Last evaluated: 2023-12-11. Review status: criteria provided, single submitter. Criteria: Invitae Variant Classification Sherloc (09022015). Collection method: clinical testing. Allele origin: germline.
Comment: This sequence change replaces threonine, which is neutral and polar, with asparagine, which is neutral and polar, at codon 497 of the HSD17B4 protein (p.Thr497Asn). This variant is not present in population databases (gnomAD no frequency). This variant has not been reported in the literature in individuals affected with HSD17B4-related conditions. ClinVar contains an entry for this variant (Variation ID: 2169976). Advanced modeling of protein sequence and biophysical properties (such as structural, functional, and spatial information, amino acid conservation, physicochemical variation, residue mobility, and thermodynamic stability) has been performed at Invitae for this missense variant, however the output from this modeling did not meet the statistical confidence thresholds required to predict the impact of this variant on HSD17B4 protein function. In summary, the available evidence is currently insufficient to determine the role of this variant in disease. Therefore, it has been classified as a Variant of Uncertain Significance.